The following is an entry in ClinVar:

ClinVar aggregate classification (germline): Likely pathogenic (1 of 4 stars; one submission).

Conditions:
Wilson disease (WND). Also called: Wilson's disease. Identifiers: Orphanet 905, MedGen C0019202, MONDO:0010200, OMIM 277900. Disease mechanism: loss of function.

Submission:

Myriad Genetics, Inc.
Classification: Likely pathogenic for Wilson disease. Last evaluated: 2019-06-16. Review status: criteria provided, single submitter. Criteria: Myriad Women's Health Autosomal Recessive and X-Linked Classification Criteria (2019). Collection method: clinical testing. Allele origin: unknown.
Comment: NM_000053.3(ATP7B):c.505C>T(Q169*) is expected to be pathogenic in the context of Wilson disease. This variant is predicted to lead to an abnormal or absent protein product due to the creation of a premature termination codon in ATP7B, a gene where loss-of-function variants are known to be pathogenic. Please note: this variant was assessed in the context of healthy population screening.

NM_000053.4(ATP7B):c.505C>T (p.Gln169Ter)

Gene: ATP7B (ATPase copper transporting beta; minus strand). Cytogenetic location: 13q14.3.
Variant type: single nucleotide variant.
Coding change: c.505C>T on transcript NM_000053.4 (MANE Select); coding-DNA position 505, C replaced by T.
Protein change: p.Gln169Ter; replaces glutamine 169 with a stop codon.
Molecular consequence: nonsense.
Genome position (GRCh38, 1-based): chr13:51,974,715, G>A on the plus strand (C>T on the coding strand, the complement: ATP7B is on the minus strand). VCF-style: chr13-51974715-G-A. GRCh37 (hg19) VCF-style: chr13-52548851-G-A.
Other names: c.505C>T, p.Gln169Ter (NM_001005918.3, NM_001243182.2, NM_001330578.2 and 1 more transcripts); short protein forms Q169*.
Identifiers: ClinVar variation 983826 (VCV000983826.4), dbSNP rs1952020122, ClinGen allele CA388042950.